The following is an entry in ClinVar:

NM_001256071.3(RNF213):c.8833C>T (p.Arg2945Cys)

Gene: RNF213 (ring finger protein 213; plus strand). Cytogenetic location: 17q25.3.
Variant type: single nucleotide variant.
Coding change: c.8833C>T on transcript NM_001256071.3 (MANE Select); coding-DNA position 8833, C replaced by T.
Protein change: p.Arg2945Cys; replaces arginine 2945 with cysteine.
Molecular consequence: missense variant.
Genome position (GRCh38, 1-based): chr17:80,347,168, C>T. VCF-style: chr17-80347168-C-T. GRCh37 (hg19) VCF-style: chr17-78320968-C-T.
Other names: short protein forms R2945C.
Identifiers: ClinVar variation 738398 (VCV000738398.5), dbSNP rs540094757, ClinGen allele CA8821018.

ClinVar aggregate classification (germline): Likely benign. Review status: criteria provided, multiple submitters, no conflicts (2 of 4 stars). 3 submissions from 3 submitters: Likely benign (3). Last evaluated 2025-07-31.

Conditions:
RNF213-related disorder. Also called: RNF213-related condition.
Moyamoya disease 2 (MYMY2). Also called: MOYAMOYA DISEASE 2, SUSCEPTIBILITY TO. Identifiers: Orphanet 2573, MedGen C1846689, MONDO:0011784, OMIM 607151.

Allele frequency attached by ClinVar (database versions not stated): gnomAD 0.00002 and 0.00011; TOPMed 0.00003; gnomAD exomes 0.00021 and 0.00044; ExAC 0.00058; 1000 Genomes Project 30x 0.00062; 1000 Genomes Project 0.00080.
gnomAD v4.1: 324 of 1,613,888 alleles (0.02%); highest among the groups gnomAD compares: South Asian, 0.32%; 2 homozygotes.

Submissions (3):

PreventionGenetics, part of Exact Sciences
Classification: Likely benign for RNF213-related condition. Last evaluated: 2025-07-31. Review status: criteria provided, single submitter. Criteria: ACMG Guidelines, 2015. Collection method: clinical testing. Allele origin: germline.
Comment: This variant is classified as likely benign based on ACMG/AMP sequence variant interpretation guidelines (Richards et al. 2015 PMID: 25741868, with internal and published modifications).

Labcorp Genetics (formerly Invitae), Labcorp
Classification: Likely benign. Last evaluated: 2018-03-30. Review status: criteria provided, single submitter. Criteria: Invitae Variant Classification Sherloc (09022015). Collection method: clinical testing. Allele origin: germline.

Neuberg Centre For Genomic Medicine, NCGM
Classification: Likely benign for Moyamoya disease 2. Review status: criteria provided, single submitter. Criteria: ACMG Guidelines, 2015. Collection method: clinical testing. Allele origin: germline. Inheritance: Autosomal recessive inheritance. Affected: yes.
Comment: The missense c.8833C>T (p.Arg2945Cys) variant in the RNF213 gene has not been reported previously as a pathogenic variant nor as a benign variant, to our knowledge. This variant is reported with the allele frequency (0.04%) in the gnomAD Exomes. This variant has been reported to the ClinVar database as Likely Benign. However, no details are available for independent assessment. The amino acid Arginine at position 2945 is changed to a Cysteine changing protein sequence and it might alter its composition and physico-chemical properties. The variant is predicted as damaging by SIFT. The amino acid change p.Arg2945Cys in RNF213 is predicted as conserved by PhyloP across 100 vertebrates. For these reasons, this variant has been classified as Likely Benign.